The following is an entry in ClinVar:

ClinVar aggregate classification (germline): Pathogenic (1 of 4 stars; one submission).

Conditions:
Hereditary cancer-predisposing syndrome. Also called: Hereditary Cancer Syndrome; Hereditary neoplastic syndrome; Neoplastic Syndromes, Hereditary; Tumor predisposition. Identifiers: Orphanet 140162, MedGen C0027672, MeSH D009386, MONDO:0015356.

Submission:

Ambry Genetics
Classification: Pathogenic for Hereditary cancer-predisposing syndrome. Last evaluated: 2025-04-23. Review status: criteria provided, single submitter. Criteria: Ambry Variant Classification Scheme 2023. Collection method: clinical testing. Allele origin: germline.
Comment: The p.S570* pathogenic mutation (also known as c.1709C>A), located in coding exon 12 of the MSH3 gene, results from a C to A substitution at nucleotide position 1709. This changes the amino acid from a serine to a stop codon within coding exon 12. This variant is considered to be rare based on population cohorts in the Genome Aggregation Database (gnomAD). This alteration is expected to result in loss of function by premature protein truncation or nonsense-mediated mRNA decay. As such, this alteration is interpreted as a disease-causing mutation.

NM_002439.5(MSH3):c.1709C>A (p.Ser570Ter)

Gene: MSH3 (mutS homolog 3; plus strand). Cytogenetic location: 5q14.1.
Variant type: single nucleotide variant.
Coding change: c.1709C>A on transcript NM_002439.5 (MANE Select); coding-DNA position 1709, C replaced by A.
Protein change: p.Ser570Ter; replaces serine 570 with a stop codon.
Molecular consequence: nonsense.
Genome position (GRCh38, 1-based): chr5:80,744,561, C>A. VCF-style: chr5-80744561-C-A. GRCh37 (hg19) VCF-style: chr5-80040380-C-A.
Other names: short protein forms S570*.
Identifiers: ClinVar variation 3913613 (VCV003913613.1).